The following is an entry in ClinVar:

NM_001853.4(COL9A3):c.504C>T (p.Gly168=)

Gene: COL9A3 (collagen type IX alpha 3 chain; plus strand). Cytogenetic location: 20q13.33.
Variant type: single nucleotide variant.
Coding change: c.504C>T on transcript NM_001853.4 (MANE Select); coding-DNA position 504, C replaced by T.
Protein change: p.Gly168=; no amino-acid change (glycine 168 retained).
Molecular consequence: synonymous variant.
Genome position (GRCh38, 1-based): chr20:62,822,617, C>T. VCF-style: chr20-62822617-C-T. GRCh37 (hg19) VCF-style: chr20-61453969-C-T.
Identifiers: ClinVar variation 1431896 (VCV001431896.17), dbSNP rs770204147, ClinGen allele CA9949311.

ClinVar aggregate classification (germline): Likely benign. Review status: criteria provided, multiple submitters, no conflicts (2 of 4 stars). 4 submissions from 4 submitters: Likely benign (4). Last evaluated 2026-01-16.

Allele frequency attached by ClinVar (database versions not stated): gnomAD 0.00004 and 0.00005; ExAC 0.00005; gnomAD exomes 0.00005.
gnomAD v4.1: 54 of 1,612,338 alleles (0.0033%); highest among the groups gnomAD compares: Middle Eastern, 0.052%; no homozygotes.

Submissions (5):

Labcorp Genetics (formerly Invitae), Labcorp
Classification: Likely benign. Last evaluated: 2026-01-16. Review status: criteria provided, single submitter. Criteria: Invitae Variant Classification Sherloc (09022015). Collection method: clinical testing. Allele origin: germline.

CeGaT Center for Human Genetics Tuebingen
Classification: Likely benign. Last evaluated: 2025-08-01. Review status: criteria provided, single submitter. Criteria: CeGaT Center For Human Genetics Tuebingen Variant Classification Criteria Version 2. Collection method: clinical testing. Allele origin: germline. Affected: yes. Observed: 1 variant allele.
Comment: COL9A3: BP4, BP7

Women's Health and Genetics/Laboratory Corporation of America, LabCorp
Classification: Likely benign. Last evaluated: 2024-07-30. Review status: criteria provided, single submitter. Criteria: LabCorp Variant Classification Summary - May 2015. Collection method: clinical testing. Allele origin: germline.

Blueprint Genetics
Classification: Likely benign. Last evaluated: 2024-07-01. Review status: criteria provided, single submitter. Criteria: ACMG Guidelines, 2015. Collection method: clinical testing. Allele origin: germline.

Dr. Peter K. Rogan Lab, Western University
No classification provided (evidence only). Condition: Ovarian serous cystadenocarcinoma. Review status: no classification provided. Collection method: in vitro. Allele origin: not applicable. Functional consequence: retained intron. Not counted in ClinVar's aggregate classification.